The following is an entry in ClinVar:

ClinVar aggregate classification (germline): Uncertain significance (1 of 4 stars; one submission).

Submission:

Labcorp Genetics (formerly Invitae), Labcorp
Classification: Uncertain significance. Last evaluated: 2024-12-14. Review status: criteria provided, single submitter. Criteria: Invitae Variant Classification Sherloc (09022015). Collection method: clinical testing. Allele origin: germline.
Comment: This sequence change replaces lysine, which is basic and polar, with asparagine, which is neutral and polar, at codon 690 of the HPS5 protein (p.Lys690Asn). This variant is not present in population databases (gnomAD no frequency). This variant has not been reported in the literature in individuals affected with HPS5-related conditions. An algorithm developed to predict the effect of missense changes on protein structure and function (PolyPhen-2) suggests that this variant is likely to be tolerated. In summary, the available evidence is currently insufficient to determine the role of this variant in disease. Therefore, it has been classified as a Variant of Uncertain Significance.

NM_181507.2(HPS5):c.2070A>T (p.Lys690Asn)

Gene: HPS5 (HPS5 biogenesis of lysosomal organelles complex 2 subunit 2; minus strand). Cytogenetic location: 11p15.1.
Variant type: single nucleotide variant.
Coding change: c.2070A>T on transcript NM_181507.2 (MANE Select); coding-DNA position 2070, A replaced by T.
Protein change: p.Lys690Asn; replaces lysine 690 with asparagine.
Molecular consequence: missense variant.
Genome position (GRCh38, 1-based): chr11:18,291,812, T>A on the plus strand (A>T on the coding strand, the complement: HPS5 is on the minus strand). VCF-style: chr11-18291812-T-A. GRCh37 (hg19) VCF-style: chr11-18313359-T-A.
Other names: c.1728A>T, p.Lys576Asn (NM_007216.4, NM_181508.2); short protein forms K576N, K690N.
Identifiers: ClinVar variation 3627560 (VCV003627560.2).